The following is an entry in ClinVar:

ClinVar aggregate classification (germline): Benign/Likely benign. Review status: criteria provided, multiple submitters, no conflicts (2 of 4 stars). 3 submissions from 3 submitters: Benign (1); Likely benign (2). Last evaluated 2025-09-28.

Conditions:
Hereditary cancer-predisposing syndrome. Also called: Neoplastic Syndromes, Hereditary; Hereditary Cancer Syndrome; Tumor predisposition; Hereditary neoplastic syndrome. Identifiers: Orphanet 140162, MedGen C0027672, MeSH D009386, MONDO:0015356.
Birt-Hogg-Dube syndrome 1 (BHD1). Also called: FIBROFOLLICULOMAS WITH TRICHODISCOMAS AND ACROCHORDONS. Identifiers: Orphanet 122, MedGen CN375946, MONDO:0800445, OMIM 135150.
Birt-Hogg-Dube syndrome. Also called: Birt Hogg Dubé syndrome. Identifiers: Orphanet 122, MedGen C0346010, MONDO:0800444.

Allele frequency attached by ClinVar (database versions not stated): ExAC 0.00001.
gnomAD v4.1: 11 of 1,613,772 alleles (0.00068%); highest among the groups gnomAD compares: South Asian, 0.012%; no homozygotes.

Submissions (3):

Labcorp Genetics (formerly Invitae), Labcorp
Classification: Likely benign for Birt-Hogg-Dube syndrome. Last evaluated: 2025-09-28. Review status: criteria provided, single submitter. Criteria: Invitae Variant Classification Sherloc (09022015). Collection method: clinical testing. Allele origin: germline.

Myriad Genetics, Inc.
Classification: Benign for Birt-Hogg-Dube syndrome 1. Last evaluated: 2024-10-22. Review status: criteria provided, single submitter. Criteria: Myriad Autosomal Dominant, Autosomal Recessive and X-Linked Classification Criteria (2023). Collection method: clinical testing. Allele origin: unknown.
Comment: This variant is considered benign. This variant is a silent/synonymous amino acid change and it is not expected to impact splicing.

Ambry Genetics
Classification: Likely benign for Hereditary cancer-predisposing syndrome. Last evaluated: 2023-05-18. Review status: criteria provided, single submitter. Criteria: Ambry Variant Classification Scheme 2023. Collection method: clinical testing. Allele origin: germline.

NM_144997.7(FLCN):c.84A>G (p.Pro28=)

Gene: FLCN (folliculin; minus strand). Cytogenetic location: 17p11.2.
Variant type: single nucleotide variant.
Coding change: c.84A>G on transcript NM_144997.7 (MANE Select); coding-DNA position 84, A replaced by G.
Protein change: p.Pro28=; no amino-acid change (proline 28 retained).
Molecular consequence: synonymous variant.
Genome position (GRCh38, 1-based): chr17:17,228,054, T>C on the plus strand (A>G on the coding strand, the complement: FLCN is on the minus strand). VCF-style: chr17-17228054-T-C. GRCh37 (hg19) VCF-style: chr17-17131368-T-C.
Other names: c.84A>G, p.Pro28= (NM_001353229.2, NM_001353230.2, NM_001353231.2 and 1 more transcripts).
Identifiers: ClinVar variation 2566334 (VCV002566334.6), dbSNP rs754450145, ClinGen allele CA8416520.